The following is an entry in ClinVar:

ClinVar aggregate classification (germline): Uncertain significance (1 of 4 stars; one submission).

Allele frequency attached by ClinVar (database versions not stated): gnomAD exomes below 0.00001; TOPMed below 0.00001.
gnomAD v4.1: 2 of 1,614,142 alleles (0.00012%); highest among the groups gnomAD compares: African/African-American, 0.0013%; no homozygotes.

Submission:

Ambry Genetics
Classification: Uncertain significance. Last evaluated: 2024-03-27. Review status: criteria provided, single submitter. Criteria: Ambry Variant Classification Scheme 2023. Collection method: clinical testing. Allele origin: germline.
Comment: The p.Q812H variant (also known as c.2436A>C), located in coding exon 4 of the ALPK2 gene, results from an A to C substitution at nucleotide position 2436. The glutamine at codon 812 is replaced by histidine, an amino acid with highly similar properties. This amino acid position is conserved. In addition, this alteration is predicted to be tolerated by in silico analysis. Since supporting evidence is limited at this time, the clinical significance of this alteration remains unclear.

NM_052947.4(ALPK2):c.2436A>C (p.Gln812His)

Gene: ALPK2 (alpha kinase 2; minus strand). Cytogenetic location: 18q21.31.
Variant type: single nucleotide variant.
Coding change: c.2436A>C on transcript NM_052947.4 (MANE Select); coding-DNA position 2436, A replaced by C.
Protein change: p.Gln812His; replaces glutamine 812 with histidine.
Molecular consequence: missense variant.
Genome position (GRCh38, 1-based): chr18:58,537,751, T>G on the plus strand (A>C on the coding strand, the complement: ALPK2 is on the minus strand). VCF-style: chr18-58537751-T-G. GRCh37 (hg19) VCF-style: chr18-56204983-T-G.
Other names: short protein forms Q812H.
Identifiers: ClinVar variation 1791223 (VCV001791223.2), dbSNP rs2051661657, ClinGen allele CA402570627.